The following is an entry in ClinVar:

ClinVar aggregate classification (germline): Likely benign. Review status: criteria provided, single submitter (1 of 4 stars). 2 submissions from 2 submitters: Likely benign (1). 1 of the submissions does not count toward it. Last evaluated 2026-07-01.

Conditions:
CAPN15-related disorder. Also called: CAPN15-related condition.

Allele frequency attached by ClinVar (database versions not stated): 1000 Genomes Project 30x 0.00016; 1000 Genomes Project 0.00020; TOPMed 0.00093; ESP Exome Variant Server 0.00100; gnomAD 0.00139; gnomAD exomes 0.00156.
gnomAD v4.1: 2,448 of 1,606,080 alleles (0.15%); highest among the groups gnomAD compares: Non-Finnish European, 0.17%; 1 homozygote.

Submissions (2):

CeGaT Center for Human Genetics Tuebingen
Classification: Likely benign. Last evaluated: 2026-07-01. Review status: criteria provided, single submitter. Criteria: CeGaT Center For Human Genetics Tuebingen Variant Classification Criteria Version 2. Collection method: clinical testing. Allele origin: germline. Affected: yes. Observed: 2 variant alleles.
Comment: CAPN15: BP4, BP7

PreventionGenetics, part of Exact Sciences
Classification: Likely benign for CAPN15-related condition. Last evaluated: 2019-12-16. Review status: no assertion criteria provided. Collection method: clinical testing. Allele origin: germline. Not counted in ClinVar's aggregate classification.
Comment: This variant is classified as likely benign based on ACMG/AMP sequence variant interpretation guidelines (Richards et al. 2015 PMID: 25741868, with internal and published modifications).

NM_005632.3(CAPN15):c.2085C>T (p.Ser695=)

Gene: CAPN15 (calpain 15; plus strand). Cytogenetic location: 16p13.3.
Variant type: single nucleotide variant.
Coding change: c.2085C>T on transcript NM_005632.3 (MANE Select); coding-DNA position 2085, C replaced by T.
Protein change: p.Ser695=; no amino-acid change (serine 695 retained).
Molecular consequence: synonymous variant.
Genome position (GRCh38, 1-based): chr16:551,320, C>T. VCF-style: chr16-551320-C-T. GRCh37 (hg19) VCF-style: chr16-601320-C-T.
Other names: c.2085C>T (NM_005632.2).
Identifiers: ClinVar variation 2645807 (VCV002645807.25), dbSNP rs145916590, ClinGen allele CA7778573.